The following is an entry in ClinVar:

NM_000059.4(BRCA2):c.516+17G>C

Gene: BRCA2 (BRCA2 DNA repair associated; plus strand). Cytogenetic location: 13q13.1.
Variant type: single nucleotide variant.
Coding change: c.516+17G>C on transcript NM_000059.4 (MANE Select); 17 bases into the intron after coding-DNA position 516, G replaced by C.
Molecular consequence: intron variant.
Genome position (GRCh38, 1-based): chr13:32,326,299, G>C. VCF-style: chr13-32326299-G-C. GRCh37 (hg19) VCF-style: chr13-32900436-G-C.
Identifiers: ClinVar variation 379124 (VCV000379124.14), dbSNP rs765435155, ClinGen allele CA6940383.

ClinVar aggregate classification (germline): Likely benign. Review status: criteria provided, multiple submitters, no conflicts (2 of 4 stars). 3 submissions from 3 submitters: Likely benign (3). Last evaluated 2024-12-11.

Conditions:
Hereditary breast ovarian cancer syndrome. Also called: Hereditary breast and/or ovarian cancer syndrome; Hereditary breast and ovarian cancer syndrome; Hereditary breast and ovarian cancer syndrome (HBOC); Hereditary breast and ovarian cancer; BRCA1- and BRCA2-Associated Hereditary Breast and Ovarian Cancer; Breast and ovarian cancer. Identifiers: Orphanet 145, MedGen C0677776, MeSH D061325, MONDO:0003582. Disease mechanism: loss of function.

Allele frequency attached by ClinVar (database versions not stated): gnomAD 0.00001; TOPMed 0.00002.
gnomAD v4.1: 1 of 1,608,402 alleles (0.000062%); highest among the groups gnomAD compares: African/African-American, 0.0013%; no homozygotes.

Submissions (3):

Women's Health and Genetics/Laboratory Corporation of America, LabCorp
Classification: Likely benign. Last evaluated: 2024-12-11. Review status: criteria provided, single submitter. Criteria: LabCorp Variant Classification Summary - May 2015. Collection method: clinical testing. Allele origin: germline.

Labcorp Genetics (formerly Invitae), Labcorp
Classification: Likely benign for Hereditary breast ovarian cancer syndrome. Last evaluated: 2024-11-13. Review status: criteria provided, single submitter. Criteria: Invitae Variant Classification Sherloc (09022015). Collection method: clinical testing. Allele origin: germline.

GeneDx
Classification: Likely benign. Last evaluated: 2017-08-22. Review status: criteria provided, single submitter. Criteria: GeneDx Variant Classification (06012015). Collection method: clinical testing. Allele origin: germline. Affected: yes.
Comment: This variant is considered likely benign or benign based on one or more of the following criteria: it is a conservative change, it occurs at a poorly conserved position in the protein, it is predicted to be benign by multiple in silico algorithms, and/or has population frequency not consistent with disease.